The following is an entry in ClinVar:

ClinVar aggregate classification (germline): Pathogenic (1 of 4 stars; one submission).

Conditions:
Hereditary factor VIII deficiency disease (HEMA). Also called: AUTOSOMAL HEMOPHILIA A; Hemophilia A; HEMOPHILIA, CLASSIC; Hemophilia A, congenital; HEM A; Factor 8 deficiency, congenital. Identifiers: Orphanet 98878, MedGen C0019069, MONDO:0010602, OMIM 306700.

Allele frequency attached by ClinVar (database versions not stated): TOPMed 0.00001.

Submission:

ARUP Laboratories, Molecular Genetics and Genomics, ARUP Laboratories
Classification: Pathogenic for Hereditary factor VIII deficiency disease. Last evaluated: 2019-06-01. Review status: criteria provided, single submitter. Criteria: ARUP Molecular Germline Variant Investigation Process. Collection method: clinical testing. Allele origin: germline.
Comment: The F8 c.5914_5915delAT; p.Ile1972fs variant, also known as del2 in Ile1953, is reported in the literature in individuals affected with severe hemophilia A (Johnsen 2017, Liu 2002). This variant is absent from general population databases (Exome Variant Server, Genome Aggregation Database), indicating it is not a common polymorphism. This variant causes a frameshift by deleting two nucleotides, so it is predicted to result in a truncated protein or mRNA subject to nonsense-mediated decay. Based on available information, this variant is considered to be pathogenic. References: Johnsen JM et al. Novel approach to genetic analysis and results in 3000 hemophilia patients enrolled in the My Life, Our Future initiative. Blood Adv. 2017 May 18;1(13):824-834. Liu ML et al. Non-inversion factor VIII mutations in 80 hemophilia A families including 24 with alloimmune responses. Thromb Haemost. 2002 Feb;87(2):273-6.

NM_000132.4(F8):c.5914_5915del (p.Ile1972fs)

Gene: F8 (coagulation factor VIII; minus strand). Cytogenetic location: Xq28.
Variant type: Deletion.
Coding change: c.5914_5915del on transcript NM_000132.4 (MANE Select); coding-DNA positions 5914 to 5915, 2 bases deleted (AT; older notation c.5914_5915delAT).
Protein change: p.Ile1972fs; shifts the reading frame from isoleucine 1972.
Molecular consequence: frameshift variant.
Genome position (GRCh38, 1-based): chrX:154,903,989-154,903,990, AT deleted on the plus strand (AT on the coding strand, the reverse complement: F8 is on the minus strand). VCF-style (leftmost placement, unchanged base first): chrX-154903988-GAT-G. GRCh37 (hg19) VCF-style: chrX-154132263-GAT-G.
Other names: short protein forms I1972fs.
Identifiers: ClinVar variation 811466 (VCV000811466.8), dbSNP rs1216878586, ClinGen allele CA873340712.